The following is an entry in ClinVar:

ClinVar aggregate classification (germline): Uncertain significance (1 of 4 stars; one submission).

Conditions:
Familial focal epilepsy with variable foci (FPEVF). Identifiers: Orphanet 98820, MedGen C1858477, MONDO:0020310.

Allele frequency attached by ClinVar (database versions not stated): gnomAD exomes below 0.00001.
gnomAD v4.1: 1 of 1,614,200 alleles (0.000062%); highest among the groups gnomAD compares: South Asian, 0.0011%; no homozygotes.

Submission:

Labcorp Genetics (formerly Invitae), Labcorp
Classification: Uncertain significance for Familial focal epilepsy with variable foci. Last evaluated: 2022-04-11. Review status: criteria provided, single submitter. Criteria: Invitae Variant Classification Sherloc (09022015). Collection method: clinical testing. Allele origin: germline.
Comment: This variant is not present in population databases (gnomAD no frequency). In summary, the available evidence is currently insufficient to determine the role of this variant in disease. Therefore, it has been classified as a Variant of Uncertain Significance. Algorithms developed to predict the effect of missense changes on protein structure and function are either unavailable or do not agree on the potential impact of this missense change (SIFT: "Deleterious"; PolyPhen-2: "Not Available"; Align-GVGD: "Class C45"). This variant has not been reported in the literature in individuals affected with DEPDC5-related conditions. This sequence change replaces leucine, which is neutral and non-polar, with proline, which is neutral and non-polar, at codon 144 of the DEPDC5 protein (p.Leu144Pro).

NM_001242896.3(DEPDC5):c.431T>C (p.Leu144Pro)

Gene: DEPDC5 (DEP domain containing 5, GATOR1 subcomplex subunit; plus strand). Cytogenetic location: 22q12.2.
Variant type: single nucleotide variant.
Coding change: c.431T>C on transcript NM_001242896.3 (MANE Select); coding-DNA position 431, T replaced by C.
Protein change: p.Leu144Pro; replaces leucine 144 with proline.
Molecular consequence: missense variant. On other transcripts: non-coding transcript variant (5).
Genome position (GRCh38, 1-based): chr22:31,778,116, T>C. VCF-style: chr22-31778116-T-C. GRCh37 (hg19) VCF-style: chr22-32174102-T-C.
Other names: c.431T>C, p.Leu144Pro (NM_001007188.4, NM_001136029.4, NM_001242897.2 and 7 more transcripts); c.347T>C, p.Leu116Pro (NM_001369901.1, NM_001369902.1); short protein forms L116P, L144P.
Identifiers: ClinVar variation 2121296 (VCV002121296.4), dbSNP rs2084066313, ClinGen allele CA411284420.